The following is an entry in ClinVar:

NM_139278.4(LGI3):c.34C>T (p.Pro12Ser)

Gene: LGI3 (leucine rich repeat LGI family member 3; minus strand). Cytogenetic location: 8p21.3.
Variant type: single nucleotide variant.
Coding change: c.34C>T on transcript NM_139278.4 (MANE Select); coding-DNA position 34, C replaced by T.
Protein change: p.Pro12Ser; replaces proline 12 with serine.
Molecular consequence: missense variant.
Genome position (GRCh38, 1-based): chr8:22,156,509, G>A on the plus strand (C>T on the coding strand, the complement: LGI3 is on the minus strand). VCF-style: chr8-22156509-G-A. GRCh37 (hg19) VCF-style: chr8-22014022-G-A.
Other names: short protein forms P12S.
Identifiers: ClinVar variation 3037886 (VCV003037886.2), dbSNP rs571516031, ClinGen allele CA4663785.

ClinVar aggregate classification (germline): Benign (0 of 4 stars; one submission).

Conditions:
LGI3-related disorder. Also called: LGI3-related condition.

Allele frequency attached by ClinVar (database versions not stated): gnomAD exomes 0.00164; 1000 Genomes Project 0.01697; 1000 Genomes Project 30x 0.01702; gnomAD 0.01914; TOPMed 0.02197; ExAC 0.02459.
gnomAD v4.1: 5,026 of 1,398,176 alleles (0.36%); highest among the groups gnomAD compares: African/African-American, 6.9%; 157 homozygotes.

Submission:

PreventionGenetics, part of Exact Sciences
Classification: Benign for LGI3-related condition. Last evaluated: 2019-06-07. Review status: no assertion criteria provided. Collection method: clinical testing. Allele origin: germline.
Comment: This variant is classified as benign based on ACMG/AMP sequence variant interpretation guidelines (Richards et al. 2015 PMID: 25741868, with internal and published modifications).